The following is an entry in ClinVar:

NM_001098511.3(KIF2A):c.1842C>A (p.Asp614Glu)

Gene: KIF2A (kinesin family member 2A; plus strand). Cytogenetic location: 5q12.1.
Variant type: single nucleotide variant.
Coding change: c.1842C>A on transcript NM_001098511.3 (MANE Select); coding-DNA position 1842, C replaced by A.
Protein change: p.Asp614Glu; replaces aspartic acid 614 with glutamic acid.
Molecular consequence: missense variant.
Genome position (GRCh38, 1-based): chr5:62,373,768, C>A. VCF-style: chr5-62373768-C-A. GRCh37 (hg19) VCF-style: chr5-61669595-C-A.
Other names: c.1647C>A, p.Asp549Glu (NM_001243952.2); c.1671C>A, p.Asp557Glu (NM_001243953.2); c.1728C>A, p.Asp576Glu (NM_004520.5); short protein forms D549E, D557E, D576E, D614E.
Identifiers: ClinVar variation 4770491 (VCV004770491.1).

ClinVar aggregate classification (germline): Uncertain significance (1 of 4 stars; one submission).

gnomAD v4.1: 10 of 1,612,890 alleles (0.00062%); highest among the groups gnomAD compares: South Asian, 0.011%; no homozygotes.

Submission:

Labcorp Genetics (formerly Invitae), Labcorp
Classification: Uncertain significance. Last evaluated: 2025-02-18. Review status: criteria provided, single submitter. Criteria: Invitae Variant Classification Sherloc (09022015). Collection method: clinical testing. Allele origin: germline.
Comment: This sequence change replaces aspartic acid, which is acidic and polar, with glutamic acid, which is acidic and polar, at codon 614 of the KIF2A protein (p.Asp614Glu). This variant is present in population databases (rs766134070, gnomAD 0.01%). This variant has not been reported in the literature in individuals affected with KIF2A-related conditions. An algorithm developed to predict the effect of missense changes on protein structure and function (PolyPhen-2) suggests that this variant is likely to be tolerated. In summary, the available evidence is currently insufficient to determine the role of this variant in disease. Therefore, it has been classified as a Variant of Uncertain Significance.